The following is an entry in ClinVar:

ClinVar aggregate classification (germline): Uncertain significance (1 of 4 stars; one submission).

Conditions:
MHC class I deficiency. Identifiers: Orphanet 34592, MedGen C6024714, MONDO:0011476.

Submission:

Labcorp Genetics (formerly Invitae), Labcorp
Classification: Uncertain significance for MHC class I deficiency 1. Last evaluated: 2020-07-07. Review status: criteria provided, single submitter. Criteria: Invitae Variant Classification Sherloc (09022015). Collection method: clinical testing. Allele origin: germline.
Comment: This variant has not been reported in the literature in individuals with TAP2-related conditions. This variant is not present in population databases (ExAC no frequency). This sequence change replaces arginine with glutamine at codon 2 of the TAP2 protein (p.Arg2Gln). The arginine residue is weakly conserved and there is a small physicochemical difference between arginine and glutamine. Algorithms developed to predict the effect of missense changes on protein structure and function output the following: SIFT: "Tolerated"; PolyPhen-2: "Not Available"; Align-GVGD: "Class C0". The glutamine amino acid residue is found in multiple mammalian species, suggesting that this missense change does not adversely affect protein function. These predictions have not been confirmed by published functional studies and their clinical significance is uncertain. In summary, the available evidence is currently insufficient to determine the role of this variant in disease. Therefore, it has been classified as a Variant of Uncertain Significance.

NM_001290043.2(TAP2):c.5G>A (p.Arg2Gln)

Gene: TAP2 (transporter 2, ATP binding cassette subfamily B member; minus strand). Cytogenetic location: 6p21.32.
Variant type: single nucleotide variant.
Coding change: c.5G>A on transcript NM_001290043.2 (MANE Select); coding-DNA position 5, G replaced by A.
Protein change: p.Arg2Gln; replaces arginine 2 with glutamine.
Molecular consequence: missense variant.
Genome position (GRCh38, 1-based): chr6:32,838,229, C>T on the plus strand (G>A on the coding strand, the complement: TAP2 is on the minus strand). VCF-style: chr6-32838229-C-T. GRCh37 (hg19) VCF-style: chr6-32806006-C-T.
Other names: c.5G>A, p.Arg2Gln (NM_000544.3, NM_018833.3); short protein forms R2Q.
Identifiers: ClinVar variation 1003052 (VCV001003052.8), dbSNP rs1198620573, ClinGen allele CA363587731.